The following is an entry in ClinVar:

NM_003238.6(TGFB2):c.940C>T (p.Gln314Ter)

Gene: TGFB2 (transforming growth factor beta 2; plus strand). Cytogenetic location: 1q41.
Variant type: single nucleotide variant.
Coding change: c.940C>T on transcript NM_003238.6 (MANE Select); coding-DNA position 940, C replaced by T.
Protein change: p.Gln314Ter; replaces glutamine 314 with a stop codon.
Molecular consequence: nonsense. On other transcripts: non-coding transcript variant (2).
Genome position (GRCh38, 1-based): chr1:218,437,350, C>T. VCF-style: chr1-218437350-C-T. GRCh37 (hg19) VCF-style: chr1-218610692-C-T.
Other names: c.1024C>T, p.Gln342Ter (NM_001135599.4); short protein forms Q314*, Q342*.
Identifiers: ClinVar variation 4537839 (VCV004537839.1).
Genomic context (GRCh38, chr1:218,437,350, plus strand): 5'-GGTGGTGAATCAGCTTTAAAATCTCCATTGCTTTTTTTTTTTTTTTTTAACAGAAATGTG[C>T]AGGATAATTGCTGCCTACGTCCACTTTACATTGATTTCAAGAGGGATCTAGGGTGGAAAT-3'

ClinVar aggregate classification (germline): Pathogenic (1 of 4 stars; one submission).

Submission:

GeneDx
Classification: Pathogenic. Last evaluated: 2025-06-11. Review status: criteria provided, single submitter. Criteria: GeneDx Variant Classification Process June 2021. Collection method: clinical testing. Allele origin: germline. Affected: yes.
Comment: Nonsense variant predicted to result in protein truncation or nonsense mediated decay in a gene for which loss of function is a known mechanism of disease; Not observed at significant frequency in large population cohorts (gnomAD); Has not been previously published as pathogenic or benign to our knowledge